The following is an entry in ClinVar:

ClinVar aggregate classification (germline): Uncertain significance (1 of 4 stars; one submission).

Conditions:
WDR62-related disorder. Also called: WDR62-related condition.

gnomAD v4.1: 33 of 1,614,088 alleles (0.002%); highest among the groups gnomAD compares: African/African-American, 0.0067%; no homozygotes.

Submission:

PreventionGenetics, part of Exact Sciences
Classification: Uncertain significance for WDR62-related condition. Last evaluated: 2025-01-06. Review status: criteria provided, single submitter. Criteria: ACMG Guidelines, 2015. Collection method: clinical testing. Allele origin: germline.
Comment: The WDR62 c.1949G>A variant is predicted to result in the amino acid substitution p.Arg650His. This variant along with a second variant in this gene has been reported in at least one individual with autism spectrum disorder (Wu et al. 2018. PubMed ID: 30392784; Zhi et al. 2021. PubMed ID: 33937237). This variant is reported in 0.0050% of alleles in individuals of East Asian descent in gnomAD. At this time, the clinical significance of this variant is uncertain due to the absence of conclusive functional and genetic evidence.

NM_001083961.2(WDR62):c.1949G>A (p.Arg650His)

Gene: WDR62 (WD repeat domain 62; plus strand). Cytogenetic location: 19q13.12.
Variant type: single nucleotide variant.
Coding change: c.1949G>A on transcript NM_001083961.2 (MANE Select); coding-DNA position 1949, G replaced by A.
Protein change: p.Arg650His; replaces arginine 650 with histidine.
Molecular consequence: missense variant.
Genome position (GRCh38, 1-based): chr19:36,089,297, G>A. VCF-style: chr19-36089297-G-A. GRCh37 (hg19) VCF-style: chr19-36580199-G-A.
Other names: c.1934G>A, p.Arg645His (NM_001411145.1); c.1949G>A, p.Arg650His (NM_001411146.1, NM_173636.5); c.1598G>A, p.Arg533His (NM_001411147.1); short protein forms R533H, R645H, R650H.
Identifiers: ClinVar variation 4978338 (VCV004978338.1).